The following is an entry in ClinVar:

NM_014797.3(ZBTB24):c.509C>T (p.Thr170Ile)

Gene: ZBTB24 (zinc finger and BTB domain containing 24; minus strand). Cytogenetic location: 6q21.
Variant type: single nucleotide variant.
Coding change: c.509C>T on transcript NM_014797.3 (MANE Select); coding-DNA position 509, C replaced by T.
Protein change: p.Thr170Ile; replaces threonine 170 with isoleucine.
Molecular consequence: missense variant.
Genome position (GRCh38, 1-based): chr6:109,481,518, G>A on the plus strand (C>T on the coding strand, the complement: ZBTB24 is on the minus strand). VCF-style: chr6-109481518-G-A. GRCh37 (hg19) VCF-style: chr6-109802721-G-A.
Other names: c.509C>T, p.Thr170Ile (NM_001164313.2); short protein forms T170I.
Identifiers: ClinVar variation 1903161 (VCV001903161.2), dbSNP rs1053173782, ClinGen allele CA145111164.
Genomic context (GRCh38, chr6:109,481,518, plus strand): 5'-TTGTTCACTCTTAACTGTATTTCTTCCTCTGCAGCCAGTTCTGATTTCTCCTCCTGCAAT[G>A]TATTGACTTTTTTTGGTCTTCCCCGTTTCCGCTTTGGAGGATCGTTTTTCTTATTAGAGA-3'
Protein context (NP_055612.2, residues 160-180): RKRGRPKKVN[Thr170Ile]LQEEKSELAA

ClinVar aggregate classification (germline): Uncertain significance (1 of 4 stars; one submission).

Conditions:
Immunodeficiency-centromeric instability-facial anomalies syndrome 2 (ICF2). Identifiers: Orphanet 2268, MedGen C3279748, MONDO:0013553, OMIM 614069.

Allele frequency attached by ClinVar (database versions not stated): gnomAD exomes below 0.00001; TOPMed 0.00001.
gnomAD v4.1: 5 of 1,614,162 alleles (0.00031%); highest among the groups gnomAD compares: Middle Eastern, 0.016%; no homozygotes.

Submission:

Labcorp Genetics (formerly Invitae), Labcorp
Classification: Uncertain significance for Immunodeficiency-centromeric instability-facial anomalies syndrome 2. Last evaluated: 2022-05-03. Review status: criteria provided, single submitter. Criteria: Invitae Variant Classification Sherloc (09022015). Collection method: clinical testing. Allele origin: germline.
Comment: This sequence change replaces threonine, which is neutral and polar, with isoleucine, which is neutral and non-polar, at codon 170 of the ZBTB24 protein (p.Thr170Ile). This variant is not present in population databases (gnomAD no frequency). This variant has not been reported in the literature in individuals affected with ZBTB24-related conditions. Algorithms developed to predict the effect of missense changes on protein structure and function are either unavailable or do not agree on the potential impact of this missense change (SIFT: "Not Available"; PolyPhen-2: "Benign"; Align-GVGD: "Not Available"). In summary, the available evidence is currently insufficient to determine the role of this variant in disease. Therefore, it has been classified as a Variant of Uncertain Significance.